The following is an entry in ClinVar:

ClinVar aggregate classification (germline): Benign. Review status: criteria provided, multiple submitters, no conflicts (2 of 4 stars). 3 submissions from 3 submitters: Benign (3). Last evaluated 2026-01-19.

Allele frequency attached by ClinVar (database versions not stated): gnomAD exomes 0.00104 and 0.00278; ExAC 0.00359; gnomAD 0.00977 and 0.01032; TOPMed 0.01064; ESP Exome Variant Server 0.01071; 1000 Genomes Project 0.01158; 1000 Genomes Project 30x 0.01296.
gnomAD v4.1: 3,031 of 1,576,196 alleles (0.19%); highest among the groups gnomAD compares: African/African-American, 3.4%; 41 homozygotes.

Submissions (3):

Labcorp Genetics (formerly Invitae), Labcorp
Classification: Benign. Last evaluated: 2026-01-19. Review status: criteria provided, single submitter. Criteria: Invitae Variant Classification Sherloc (09022015). Collection method: clinical testing. Allele origin: germline.

Mayo Clinic Laboratories, Mayo Clinic
Classification: Benign. Last evaluated: 2024-05-15. Review status: criteria provided, single submitter. Criteria: ACMG Guidelines, 2015. Collection method: clinical testing. Allele origin: germline. Observed: 4 variant alleles.
Comment: BS1, BS2, BP4

Breakthrough Genomics
Classification: Benign. Review status: criteria provided, single submitter. Criteria: ACMG Guidelines, 2015. Collection method: not provided. Allele origin: germline. Inheritance: Autosomal recessive inheritance. Affected: yes.

NM_005560.6(LAMA5):c.10093A>G (p.Ser3365Gly)

Gene: LAMA5 (laminin subunit alpha 5; minus strand). Cytogenetic location: 20q13.33.
Variant type: single nucleotide variant.
Coding change: c.10093A>G on transcript NM_005560.6 (MANE Select); coding-DNA position 10093, A replaced by G.
Protein change: p.Ser3365Gly; replaces serine 3365 with glycine.
Molecular consequence: missense variant.
Genome position (GRCh38, 1-based): chr20:62,311,090, T>C on the plus strand (A>G on the coding strand, the complement: LAMA5 is on the minus strand). VCF-style: chr20-62311090-T-C. GRCh37 (hg19) VCF-style: chr20-60886146-T-C.
Other names: p.Ser3365Gly; short protein forms S3365G.
Identifiers: ClinVar variation 783869 (VCV000783869.12), dbSNP rs138515494, ClinGen allele CA9939919.